The following is an entry in ClinVar:

NM_173660.5(DOK7):c.1088G>T (p.Trp363Leu)

Gene: DOK7 (docking protein 7; plus strand). Cytogenetic location: 4p16.3.
Variant type: single nucleotide variant.
Coding change: c.1088G>T on transcript NM_173660.5 (MANE Select); coding-DNA position 1088, G replaced by T.
Protein change: p.Trp363Leu; replaces tryptophan 363 with leucine.
Molecular consequence: missense variant. On other transcripts: 3 prime UTR variant (1).
Genome position (GRCh38, 1-based): chr4:3,493,074, G>T. VCF-style: chr4-3493074-G-T. GRCh37 (hg19) VCF-style: chr4-3494801-G-T.
Other names: c.1088G>T, p.Trp363Leu (NM_001301071.2); c.656G>T, p.Trp219Leu (NM_001363811.2); c.*309G>T (NM_001164673.2); c.158G>T, p.Trp53Leu (NM_001256896.2); short protein forms W363L, W53L, W219L.
Identifiers: ClinVar variation 1491086 (VCV001491086.3), dbSNP rs763666945, ClinGen allele CA2829355.

ClinVar aggregate classification (germline): Uncertain significance (1 of 4 stars; one submission).

Conditions:
Congenital myasthenic syndrome 10. Also called: Myasthenia, limb-girdle, familial. Identifiers: Orphanet 590, MedGen C1850792, MONDO:0009690, OMIM 254300.
Fetal akinesia deformation sequence 1 (FADS1). Also called: Pena-Shokeir syndrome type I; Fetal akinesia sequence. Identifiers: Orphanet 994, MedGen C1276035, MONDO:0100101, OMIM 208150, HP:0001989.

Allele frequency attached by ClinVar (database versions not stated): gnomAD exomes below 0.00001; TOPMed below 0.00001; ExAC 0.00003.
gnomAD v4.1: 3 of 1,575,832 alleles (0.00019%); highest among the groups gnomAD compares: Admixed American, 0.0018%; no homozygotes.

Submission:

Labcorp Genetics (formerly Invitae), Labcorp
Classification: Uncertain significance for Congenital myasthenic syndrome 10; Fetal akinesia deformation sequence 1. Last evaluated: 2022-08-16. Review status: criteria provided, single submitter. Criteria: Invitae Variant Classification Sherloc (09022015). Collection method: clinical testing. Allele origin: germline.
Comment: This sequence change replaces tryptophan, which is neutral and slightly polar, with leucine, which is neutral and non-polar, at codon 363 of the DOK7 protein (p.Trp363Leu). The frequency data for this variant in the population databases is considered unreliable, as metrics indicate poor data quality at this position in the gnomAD database. This variant has not been reported in the literature in individuals affected with DOK7-related conditions. ClinVar contains an entry for this variant (Variation ID: 1491086). Algorithms developed to predict the effect of missense changes on protein structure and function are either unavailable or do not agree on the potential impact of this missense change (SIFT: "Tolerated"; PolyPhen-2: "Probably Damaging"; Align-GVGD: "Class C0"). In summary, the available evidence is currently insufficient to determine the role of this variant in disease. Therefore, it has been classified as a Variant of Uncertain Significance.